The following is an entry in ClinVar:

ClinVar aggregate classification (germline): Benign/Likely benign. Review status: criteria provided, multiple submitters, no conflicts (2 of 4 stars). 5 submissions from 5 submitters: Benign (1); Likely benign (4). Last evaluated 2026-08-01.

Conditions:
Hearing loss, autosomal dominant 78. Also called: DEAFNESS, AUTOSOMAL DOMINANT 78. Identifiers: MedGen C5436768, MONDO:0033665, OMIM 619081.
Delpire-McNeill syndrome. Also called: SLC12A2-related autosomal dominant infantile-developmental delay-intellectual disability-sensorineural deafness syndrome. Identifiers: Orphanet 633024, MedGen C5436771, MONDO:0033667, OMIM 619083.
Kilquist syndrome (KILQS). Also called: SLC12A2-related autosomal recessive neonatal-developmental delay-intellectual disability-feeding difficulty-sensorineural deafness syndrome. Identifiers: Orphanet 633021, MedGen C5436756, MONDO:0033664, OMIM 619080.
SLC12A2-related disorder. Also called: SLC12A2-related disorders; SLC12A2-related condition.

Allele frequency attached by ClinVar (database versions not stated): gnomAD exomes 0.00139; gnomAD 0.00241 and 0.00243; TOPMed 0.00287; 1000 Genomes Project 0.00319; ExAC 0.00282; 1000 Genomes Project 30x 0.00328.
gnomAD v4.1: 4,868 of 1,302,660 alleles (0.37%); highest among the groups gnomAD compares: Non-Finnish European, 0.44%; 13 homozygotes.

Submissions (5):

CeGaT Center for Human Genetics Tuebingen
Classification: Likely benign. Last evaluated: 2026-08-01. Review status: criteria provided, single submitter. Criteria: CeGaT Center For Human Genetics Tuebingen Variant Classification Criteria Version 2. Collection method: clinical testing. Allele origin: germline. Affected: yes. Observed: 17 variant alleles.
Comment: SLC12A2: BP4, BP7, BS2

Labcorp Genetics (formerly Invitae), Labcorp
Classification: Benign. Last evaluated: 2026-01-27. Review status: criteria provided, single submitter. Criteria: Invitae Variant Classification Sherloc (09022015). Collection method: clinical testing. Allele origin: germline.

Blueprint Genetics
Classification: Likely benign. Last evaluated: 2024-11-21. Review status: criteria provided, single submitter. Criteria: ACMG Guidelines, 2015. Collection method: clinical testing. Allele origin: germline.

PreventionGenetics, part of Exact Sciences
Classification: Likely benign for SLC12A2-related condition. Last evaluated: 2024-10-10. Review status: criteria provided, single submitter. Criteria: ACMG Guidelines, 2015. Collection method: clinical testing. Allele origin: germline.
Comment: This variant is classified as likely benign based on ACMG/AMP sequence variant interpretation guidelines (Richards et al. 2015 PMID: 25741868, with internal and published modifications).

Fulgent Genetics
Classification: Likely benign for Kilquist syndrome; Hearing loss, autosomal dominant 78; Delpire-McNeill syndrome. Last evaluated: 2021-09-22. Review status: criteria provided, single submitter. Criteria: ACMG Guidelines, 2015. Collection method: clinical testing. Allele origin: unknown.

NM_001046.3(SLC12A2):c.102G>A (p.Leu34=)

Genes: SLC12A2 (solute carrier family 12 member 2; plus strand), LOC129994526 (ATAC-STARR-seq lymphoblastoid silent region 16295; plus strand). Cytogenetic location: 5q23.3.
Variant type: single nucleotide variant.
Coding change: c.102G>A on transcript NM_001046.3 (MANE Select); coding-DNA position 102, G replaced by A.
Protein change: p.Leu34=; no amino-acid change (leucine 34 retained).
Molecular consequence: synonymous variant. On other transcripts: non-coding transcript variant (1).
Genome position (GRCh38, 1-based): chr5:128,084,056, G>A. VCF-style: chr5-128084056-G-A. GRCh37 (hg19) VCF-style: chr5-127419748-G-A.
Other names: c.102G>A, p.Leu34= (NM_001256461.2); c.102G>A (NM_001046.2).
Identifiers: ClinVar variation 1659746 (VCV001659746.35), dbSNP rs535757373, ClinGen allele CA3392742.
Genomic context (GRCh38, chr5:128,084,056, plus strand): 5'-ACTGGCCGGGGTCGGGGAGACGCCGTCAGCCGCTGCGCTGGCCGCAGCCAGGGTGGAACT[G>A]CCCGGCACGGCTGTGCCCTCGGTGCCGGAGGATGCTGCGCCCGCGAGCCGGGACGGCGGC-3'
Protein context (NP_001037.1, residues 24-44): AAALAAARVE[Leu34=]PGTAVPSVPE